The following is an entry in ClinVar:

ClinVar aggregate classification (germline): Uncertain significance (1 of 4 stars; one submission).

Conditions:
Early-infantile DEE. Also called: Ohtahara syndrome; Early infantile epileptic encephalopathy with suppression bursts; Early infantile epileptic encephalopathy. Identifiers: Orphanet 1934, MedGen C0393706, MONDO:0800491.

gnomAD v4.1: 1 of 1,612,198 alleles (0.000062%); highest among the groups gnomAD compares: Non-Finnish European, 0.000085%; no homozygotes.

Submission:

Labcorp Genetics (formerly Invitae), Labcorp
Classification: Uncertain significance for Early-infantile DEE. Last evaluated: 2024-11-10. Review status: criteria provided, single submitter. Criteria: Invitae Variant Classification Sherloc (09022015). Collection method: clinical testing. Allele origin: germline.
Comment: This sequence change replaces glutamic acid, which is acidic and polar, with lysine, which is basic and polar, at codon 797 of the KCNQ2 protein (p.Glu797Lys). This variant is not present in population databases (gnomAD no frequency). This variant has not been reported in the literature in individuals affected with KCNQ2-related conditions. Invitae Evidence Modeling of protein sequence and biophysical properties (such as structural, functional, and spatial information, amino acid conservation, physicochemical variation, residue mobility, and thermodynamic stability) has been performed for this missense variant. However, the output from this modeling did not meet the statistical confidence thresholds required to predict the impact of this variant on KCNQ2 protein function. In summary, the available evidence is currently insufficient to determine the role of this variant in disease. Therefore, it has been classified as a Variant of Uncertain Significance.

NM_172107.4(KCNQ2):c.2389G>A (p.Glu797Lys)

Gene: KCNQ2 (potassium voltage-gated channel subfamily Q member 2; minus strand). Cytogenetic location: 20q13.33.
Variant type: single nucleotide variant.
Coding change: c.2389G>A on transcript NM_172107.4 (MANE Select); coding-DNA position 2389, G replaced by A.
Protein change: p.Glu797Lys; replaces glutamic acid 797 with lysine.
Molecular consequence: missense variant.
Genome position (GRCh38, 1-based): chr20:63,406,874, C>T on the plus strand (G>A on the coding strand, the complement: KCNQ2 is on the minus strand). VCF-style: chr20-63406874-C-T. GRCh37 (hg19) VCF-style: chr20-62038227-C-T.
Other names: c.2443G>A, p.Glu815Lys (NM_001382235.1); c.2305G>A, p.Glu769Lys (NM_004518.6); c.2335G>A, p.Glu779Lys (NM_172106.3); c.2296G>A, p.Glu766Lys (NM_172108.5); short protein forms E766K, E779K, E815K, E797K, E769K.
Identifiers: ClinVar variation 3720582 (VCV003720582.2).
Genomic context (GRCh38, chr20:63,406,874, plus strand): 5'-GAGCATCCAGGTTCTCCTTGGACTGGGAGATGCTGAAGCCGCTGAAGGAACGCTCCAGCT[C>T]CTCGTGGTCCACGGACGGGATGGAGATGGACGTGTCGCTGTCCCGCAGGTTCCCCTCGGG-3'
Protein context (NP_742105.1, residues 787-807): SISIPSVDHE[Glu797Lys]LERSFSGFSI